The following is an entry in ClinVar:

ClinVar aggregate classification (germline): Uncertain significance (1 of 4 stars; one submission).

Submission:

Labcorp Genetics (formerly Invitae), Labcorp
Classification: Uncertain significance. Last evaluated: 2022-06-04. Review status: criteria provided, single submitter. Criteria: Invitae Variant Classification Sherloc (09022015). Collection method: clinical testing. Allele origin: germline.
Comment: This sequence change replaces glycine, which is neutral and non-polar, with aspartic acid, which is acidic and polar, at codon 2005 of the MPDZ protein (p.Gly2005Asp). This variant is not present in population databases (gnomAD no frequency). This variant has not been reported in the literature in individuals affected with MPDZ-related conditions. Algorithms developed to predict the effect of missense changes on protein structure and function are either unavailable or do not agree on the potential impact of this missense change (SIFT: "Deleterious"; PolyPhen-2: "Probably Damaging"; Align-GVGD: "Class C0"). In summary, the available evidence is currently insufficient to determine the role of this variant in disease. Therefore, it has been classified as a Variant of Uncertain Significance.

NM_001378778.1(MPDZ):c.6101G>A (p.Gly2034Asp)

Gene: MPDZ (multiple PDZ domain crumbs cell polarity complex component; minus strand). Cytogenetic location: 9p23.
Variant type: single nucleotide variant.
Coding change: c.6101G>A on transcript NM_001378778.1 (MANE Select); coding-DNA position 6101, G replaced by A.
Protein change: p.Gly2034Asp; replaces glycine 2034 with aspartic acid.
Molecular consequence: missense variant.
Genome position (GRCh38, 1-based): chr9:13,107,077, C>T on the plus strand (G>A on the coding strand, the complement: MPDZ is on the minus strand). VCF-style: chr9-13107077-C-T. GRCh37 (hg19) VCF-style: chr9-13107076-C-T.
Other names: c.6002G>A, p.Gly2001Asp (NM_001261406.2, NM_001375416.1, NM_001375417.1 and 1 more transcripts); c.5915G>A, p.Gly1972Asp (NM_001261407.2, NM_001375419.1); c.6101G>A, p.Gly2034Asp (NM_001330637.2); c.6200G>A, p.Gly2067Asp (NM_001375413.1); c.5891G>A, p.Gly1964Asp (NM_001375420.1, NM_001375421.1, NM_001375422.1 and 2 more transcripts); c.5804G>A, p.Gly1935Asp (NM_001375425.1, NM_001375426.1); c.5693G>A, p.Gly1898Asp (NM_001375427.1); c.6014G>A, p.Gly2005Asp (NM_003829.5); short protein forms G2005D, G2034D, G2067D, G2001D, G1898D, G1935D, G1964D, G1972D.
Identifiers: ClinVar variation 1973210 (VCV001973210.2), dbSNP rs2537480950, ClinGen allele CA372938469.